The following is an entry in ClinVar:

ClinVar aggregate classification (germline): Uncertain significance (1 of 4 stars; one submission).

Conditions:
Hypertrophic cardiomyopathy. Also called: HYPERTROPHIC MYOCARDIOPATHY. Identifiers: Orphanet 217569, MedGen C0007194, MeSH D002312, MONDO:0005045, HP:0001639.

Submission:

Labcorp Genetics (formerly Invitae), Labcorp
Classification: Uncertain significance for Hypertrophic cardiomyopathy. Last evaluated: 2022-03-08. Review status: criteria provided, single submitter. Criteria: Invitae Variant Classification Sherloc (09022015). Collection method: clinical testing. Allele origin: germline.
Comment: This variant has not been reported in the literature in individuals affected with MYH7-related conditions. This variant is not present in population databases (gnomAD no frequency). This sequence change replaces asparagine, which is neutral and polar, with histidine, which is basic and polar, at codon 306 of the MYH7 protein (p.Asn306His). Algorithms developed to predict the effect of missense changes on protein structure and function are either unavailable or do not agree on the potential impact of this missense change (SIFT: "Deleterious"; PolyPhen-2: "Probably Damaging"; Align-GVGD: "Class C0"). In summary, the available evidence is currently insufficient to determine the role of this variant in disease. Therefore, it has been classified as a Variant of Uncertain Significance. This variant is found within a region of MYH7 between codons 181 and 937 that contains the majority of the myosin head domain. Missense variants in this region have been shown to be significantly overrepresented in individuals with hypertrophic cardiomyopathy (PMID: 27532257).

Literature cited by the submitters: PubMed 27532257.

NM_000257.4(MYH7):c.916A>C (p.Asn306His)

Gene: MYH7 (myosin heavy chain 7; minus strand). Cytogenetic location: 14q11.2.
Variant type: single nucleotide variant.
Coding change: c.916A>C on transcript NM_000257.4 (MANE Select); coding-DNA position 916, A replaced by C.
Protein change: p.Asn306His; replaces asparagine 306 with histidine.
Molecular consequence: missense variant.
Genome position (GRCh38, 1-based): chr14:23,430,643, T>G on the plus strand (A>C on the coding strand, the complement: MYH7 is on the minus strand). VCF-style: chr14-23430643-T-G. GRCh37 (hg19) VCF-style: chr14-23899852-T-G.
Other names: c.916A>C, p.Asn306His (NM_001407004.1); short protein forms N306H.
Identifiers: ClinVar variation 2089242 (VCV002089242.4), dbSNP rs201467368, ClinGen allele CA389051761.